The following is an entry in ClinVar:

NM_000282.4(PCCA):c.199del (p.Val68fs)

Gene: PCCA (propionyl-CoA carboxylase subunit alpha; plus strand). Cytogenetic location: 13q32.3.
Variant type: Deletion.
Coding change: c.199del on transcript NM_000282.4 (MANE Select); coding-DNA position 199, one base deleted (C; older notation c.199delC).
Protein change: p.Val68fs; shifts the reading frame from valine 68.
Molecular consequence: frameshift variant. On other transcripts: 5 prime UTR variant (3), non-coding transcript variant (5).
Genome position (GRCh38, 1-based): chr13:100,111,856, C deleted. VCF-style (leftmost placement, unchanged base first): chr13-100111855-TC-T. GRCh37 (hg19) VCF-style: chr13-100764109-TC-T.
Other names: c.199delC (NM_000282.4); c.121del, p.Val42fs (NM_001127692.3, NM_001352607.2, NM_001352608.2); c.199del, p.Val68fs (NM_001178004.2, NM_001352605.2, NM_001352606.2 and 1 more transcripts); c.-668del (NM_001352610.2, NM_001352611.2, NM_001352612.2); short protein forms V42fs, V68fs.
Identifiers: ClinVar variation 3338905 (VCV003338905.1).
Genomic context (GRCh38, chr13:100,111,855, plus strand): 5'-GTTTAAAAGTAACAATTTCTAATGAATGTGTTTTTTCTCTCTTCAGACTTTTGATAAAAT[TC>T]TTGTTGCTAATAGAGGAGAAATTGCATGTCGGGTGAGTAGAATTTTCGTCTTATTTTCCA-3'

ClinVar aggregate classification (germline): Pathogenic (1 of 4 stars; one submission).

Conditions:
Propionic acidemia (PROP). Also called: GLYCINEMIA, KETOTIC; HYPERGLYCINEMIA WITH KETOACIDOSIS AND LEUKOPENIA; KETOTIC HYPERGLYCINEMIA. Identifiers: Orphanet 35, MedGen C0268579, MONDO:0011628, OMIM 606054, HP:0003571.

Submission:

Women's Health and Genetics/Laboratory Corporation of America, LabCorp
Classification: Pathogenic for Propionic acidemia. Last evaluated: 2024-07-12. Review status: criteria provided, single submitter. Criteria: LabCorp Variant Classification Summary - May 2015. Collection method: clinical testing. Allele origin: germline.
Comment: Variant summary: PCCA c.199delC (p.Val68LeufsX36) results in a premature termination codon, predicted to cause a truncation of the encoded protein or absence of the protein due to nonsense mediated decay, which are commonly known mechanisms for disease. The variant was absent in 250488 control chromosomes. To our knowledge, no occurrence of c.199delC in individuals affected with Propionic Acidemia and no experimental evidence demonstrating its impact on protein function have been reported. No submitters have cited clinical-significance assessments for this variant to ClinVar. Based on the evidence outlined above, the variant was classified as pathogenic.